The following is an entry in ClinVar:

NM_014989.7(RIMS1):c.4197C>T (p.Thr1399=)

Gene: RIMS1 (regulating synaptic membrane exocytosis 1; plus strand). Cytogenetic location: 6q13.
Variant type: single nucleotide variant.
Coding change: c.4197C>T on transcript NM_014989.7 (MANE Select); coding-DNA position 4197, C replaced by T.
Protein change: p.Thr1399=; no amino-acid change (threonine 1399 retained).
Molecular consequence: synonymous variant. On other transcripts: intron variant (24).
Genome position (GRCh38, 1-based): chr6:72,333,666, C>T. VCF-style: chr6-72333666-C-T. GRCh37 (hg19) VCF-style: chr6-73043369-C-T.
Other names: c.2157C>T, p.Thr719= (NM_001168407.2); c.2118C>T, p.Thr706= (NM_001350414.2); c.2214C>T, p.Thr738= (NM_001350415.2); c.2163C>T, p.Thr721= (NM_001350416.2); c.2136C>T, p.Thr712= (NM_001350418.2); c.2271C>T, p.Thr757= (NM_001350420.2); c.2016C>T, p.Thr672= (NM_001350421.2); c.1905C>T, p.Thr635= (NM_001350423.2); and 53 more.
Identifiers: ClinVar variation 738820 (VCV000738820.26), dbSNP rs201885523, ClinGen allele CA3886463.

ClinVar aggregate classification (germline): Likely benign. Review status: criteria provided, multiple submitters, no conflicts (2 of 4 stars). 6 submissions from 6 submitters: Likely benign (5). 1 of the submissions does not count toward it. Last evaluated 2026-09-01.

Conditions:
RIMS1-related disorder. Also called: RIMS1-related condition.
Cone-rod dystrophy 7 (CORD7). Identifiers: Orphanet 1872, MedGen C1863634, MONDO:0011355, OMIM 603649.

Allele frequency attached by ClinVar (database versions not stated): gnomAD 0.00016; ESP Exome Variant Server 0.00024; gnomAD exomes 0.00028; 1000 Genomes Project 30x 0.00031; 1000 Genomes Project 0.00040; TOPMed 0.00060.
gnomAD v4.1: 475 of 1,597,134 alleles (0.03%); highest among the groups gnomAD compares: Middle Eastern, 0.05%; 2 homozygotes.

Submissions (6):

CeGaT Center for Human Genetics Tuebingen
Classification: Likely benign. Last evaluated: 2026-09-01. Review status: criteria provided, single submitter. Criteria: CeGaT Center For Human Genetics Tuebingen Variant Classification Criteria Version 2. Collection method: clinical testing. Allele origin: germline. Affected: yes. Observed: 2 variant alleles.
Comment: RIMS1: BP4, BP7

Labcorp Genetics (formerly Invitae), Labcorp
Classification: Likely benign. Last evaluated: 2025-12-16. Review status: criteria provided, single submitter. Criteria: Invitae Variant Classification Sherloc (09022015). Collection method: clinical testing. Allele origin: germline.

Laboratory of Genetics, Children's Clinical University Hospital Latvia
Classification: Likely benign. Last evaluated: 2025-02-16. Review status: criteria provided, single submitter. Criteria: ACMG Guidelines, 2015. Collection method: clinical testing. Allele origin: germline. Affected: yes.

Blueprint Genetics
Classification: Likely benign. Last evaluated: 2024-09-12. Review status: criteria provided, single submitter. Criteria: ACMG Guidelines, 2015. Collection method: clinical testing. Allele origin: germline.

Illumina Laboratory Services, Illumina
Classification: Likely benign for Cone-rod dystrophy 7. Last evaluated: 2018-01-13. Review status: criteria provided, single submitter. Criteria: ICSL Variant Classification Criteria 13 December 2019. Collection method: clinical testing. Allele origin: germline.
Comment: This variant was observed in the ICSL laboratory as part of a predisposition screen in an ostensibly healthy population. It had not been previously curated by ICSL or reported in the Human Gene Mutation Database (HGMD: prior to June 1st, 2018), and was therefore a candidate for classification through an automated scoring system. Utilizing variant allele frequency, disease prevalence and penetrance estimates, and inheritance mode, an automated score was calculated to assess if this variant is too frequent to cause the disease. Based on the score and internal cut-off values, a variant classified as likely benign is not then subjected to further curation. The score for this variant resulted in a classification of likely benign for this disease.

PreventionGenetics, part of Exact Sciences
Classification: Likely benign for RIMS1-related condition. Last evaluated: 2019-06-19. Review status: no assertion criteria provided. Collection method: clinical testing. Allele origin: germline. Not counted in ClinVar's aggregate classification.
Comment: This variant is classified as likely benign based on ACMG/AMP sequence variant interpretation guidelines (Richards et al. 2015 PMID: 25741868, with internal and published modifications).